The following is an entry in ClinVar:

NM_033641.4(COL4A6):c.3417A>G (p.Glu1139=)

Gene: COL4A6 (collagen type IV alpha 6 chain; minus strand). Cytogenetic location: Xq22.3.
Variant type: single nucleotide variant.
Coding change: c.3417A>G on transcript NM_033641.4 (MANE Select); coding-DNA position 3417, A replaced by G.
Protein change: p.Glu1139=; no amino-acid change (glutamic acid 1139 retained).
Molecular consequence: synonymous variant.
Genome position (GRCh38, 1-based): chrX:108,170,685, T>C on the plus strand (A>G on the coding strand, the complement: COL4A6 is on the minus strand). VCF-style: chrX-108170685-T-C. GRCh37 (hg19) VCF-style: chrX-107413915-T-C.
Other names: c.3468A>G, p.Glu1156= (NM_001287758.2); c.3417A>G, p.Glu1139= (NM_001287759.2, NM_001287760.2); c.3420A>G, p.Glu1140= (NM_001847.4).
Identifiers: ClinVar variation 3344374 (VCV003344374.1).

ClinVar aggregate classification (germline): Likely benign (0 of 4 stars; one submission).

Conditions:
COL4A6-related disorder. Also called: COL4A6-related condition.

Submission:

PreventionGenetics, part of Exact Sciences
Classification: Likely benign for COL4A6-related condition. Last evaluated: 2024-06-02. Review status: no assertion criteria provided. Collection method: clinical testing. Allele origin: germline.
Comment: This variant is classified as likely benign based on ACMG/AMP sequence variant interpretation guidelines (Richards et al. 2015 PMID: 25741868, with internal and published modifications).